The following is an entry in ClinVar:

ClinVar aggregate classification (germline): Uncertain significance. Review status: criteria provided, multiple submitters, no conflicts (2 of 4 stars). 3 submissions from 3 submitters: Uncertain significance (2). 1 of the submissions does not count toward it. Last evaluated 2024-10-14.

Conditions:
RP1-related disorder. Also called: RP1-related condition.

Allele frequency attached by ClinVar (database versions not stated): gnomAD exomes below 0.00001; TOPMed below 0.00001.
gnomAD v4.1: 2 of 1,614,206 alleles (0.00012%); highest among the groups gnomAD compares: Non-Finnish European, 0.000085%; no homozygotes.

Submissions (3):

Blueprint Genetics
Classification: Uncertain significance. Last evaluated: 2024-10-14. Review status: criteria provided, single submitter. Criteria: ACMG Guidelines, 2015. Collection method: clinical testing. Allele origin: germline.

Labcorp Genetics (formerly Invitae), Labcorp
Classification: Uncertain significance. Last evaluated: 2022-08-16. Review status: criteria provided, single submitter. Criteria: Invitae Variant Classification Sherloc (09022015). Collection method: clinical testing. Allele origin: germline.
Comment: In summary, the available evidence is currently insufficient to determine the role of this variant in disease. Therefore, it has been classified as a Variant of Uncertain Significance. Algorithms developed to predict the effect of missense changes on protein structure and function (SIFT, PolyPhen-2, Align-GVGD) all suggest that this variant is likely to be tolerated. ClinVar contains an entry for this variant (Variation ID: 937603). This variant has not been reported in the literature in individuals affected with RP1-related conditions. This variant is not present in population databases (gnomAD no frequency). This sequence change replaces serine, which is neutral and polar, with glycine, which is neutral and non-polar, at codon 375 of the RP1 protein (p.Ser375Gly).

PreventionGenetics, part of Exact Sciences
Classification: Uncertain significance for RP1-related condition. Last evaluated: 2024-08-23. Review status: no assertion criteria provided. Collection method: clinical testing. Allele origin: germline. Not counted in ClinVar's aggregate classification.
Comment: The RP1 c.1123A>G variant is predicted to result in the amino acid substitution p.Ser375Gly. To our knowledge, this variant has not been reported in the literature or in the large population database gnomAD, indicating this variant is rare. At this time, the clinical significance of this variant is uncertain due to the absence of conclusive functional and genetic evidence.

NM_006269.2(RP1):c.1123A>G (p.Ser375Gly)

Gene: RP1 (RP1 axonemal microtubule associated; plus strand). Cytogenetic location: 8q12.1.
Variant type: single nucleotide variant.
Coding change: c.1123A>G on transcript NM_006269.2 (MANE Select); coding-DNA position 1123, A replaced by G.
Protein change: p.Ser375Gly; replaces serine 375 with glycine.
Molecular consequence: missense variant. On other transcripts: intron variant (1).
Genome position (GRCh38, 1-based): chr8:54,625,005, A>G. VCF-style: chr8-54625005-A-G. GRCh37 (hg19) VCF-style: chr8-55537565-A-G.
Other names: c.787+2717A>G (NM_001375654.1); short protein forms S375G.
Identifiers: ClinVar variation 937603 (VCV000937603.11), dbSNP rs1805989264, ClinGen allele CA370989340.